The following is an entry in ClinVar:

NM_000528.4(MAN2B1):c.2402del (p.Gly801fs)

Gene: MAN2B1 (mannosidase alpha class 2B member 1; minus strand). Cytogenetic location: 19p13.13.
Variant type: Deletion.
Coding change: c.2402del on transcript NM_000528.4 (MANE Select); coding-DNA position 2402, one base deleted (G; older notation c.2402delG).
Protein change: p.Gly801fs; shifts the reading frame from glycine 801.
Molecular consequence: frameshift variant.
Genome position (GRCh38, 1-based): chr19:12,649,170, C deleted on the plus strand (G on the coding strand, the reverse complement: MAN2B1 is on the minus strand); the first of 6 consecutive C bases (chr19:12,649,170-12,649,175); deleting any one gives the same sequence. VCF-style (leftmost placement, unchanged base first): chr19-12649169-GC-G. GRCh37 (hg19) VCF-style: chr19-12759983-GC-G.
Other names: c.2399del, p.Gly800fs (NM_001173498.2); c.2405del, p.Gly802fs (NM_001440570.1); short protein forms G800fs, G801fs, G802fs.
Identifiers: ClinVar variation 4814310 (VCV004814310.2).

ClinVar aggregate classification (germline): Likely pathogenic (1 of 4 stars; one submission).

Conditions:
Deficiency of alpha-mannosidase (MANSA). Also called: LYSOSOMAL ALPHA-D-MANNOSIDASE DEFICIENCY; Alpha-Mannosidosis; Mannosidosis, alpha-, types I and II. Identifiers: Orphanet 61, MedGen C0024748, MONDO:0009561, OMIM 248500.

Submission:

Natera, Inc.
Classification: Likely pathogenic for Alpha-mannosidosis. Last evaluated: 2024-05-10. Review status: criteria provided, single submitter. Criteria: Natera Variant Classification Schema (03/2026). Collection method: clinical testing. Allele origin: germline.
Comment: The c.2402delG variant in MAN2B1 is a frameshift variant predicted to shift the reading frame beginning at codon 801 and leads to a stop codon 4 codons downstream. This variant is expected to result in nonsense mediated decay, truncation, or a dysfunctional protein product. This variant is rare in the general population with a frequency below the threshold expected for the associated phenotype(s). Given the available evidence, this variant is classified as Likely Pathogenic.